The following is an entry in ClinVar:

NM_000111.3(SLC26A3):c.1551del (p.Asn518fs)

Gene: SLC26A3 (solute carrier family 26 member 3; minus strand). Cytogenetic location: 7q22.3.
Variant type: Deletion.
Coding change: c.1551del on transcript NM_000111.3 (MANE Select); coding-DNA position 1551, one base deleted (C; older notation c.1551delC).
Protein change: p.Asn518fs; shifts the reading frame from asparagine 518.
Molecular consequence: frameshift variant.
Genome position (GRCh38, 1-based): chr7:107,776,670, G deleted on the plus strand (C on the coding strand, the reverse complement: SLC26A3 is on the minus strand); the first of 2 consecutive G bases (chr7:107,776,670-107,776,671); deleting either gives the same sequence. VCF-style (leftmost placement, unchanged base first): chr7-107776669-TG-T. GRCh37 (hg19) VCF-style: chr7-107417114-TG-T.
Other names: short protein forms N518fs.
Identifiers: ClinVar variation 3606788 (VCV003606788.2).

ClinVar aggregate classification (germline): Pathogenic (1 of 4 stars; one submission).

Submission:

Labcorp Genetics (formerly Invitae), Labcorp
Classification: Pathogenic. Last evaluated: 2024-04-03. Review status: criteria provided, single submitter. Criteria: Invitae Variant Classification Sherloc (09022015). Collection method: clinical testing. Allele origin: germline.
Comment: This sequence change creates a premature translational stop signal (p.Asn518Thrfs*18) in the SLC26A3 gene. It is expected to result in an absent or disrupted protein product. Loss-of-function variants in SLC26A3 are known to be pathogenic (PMID: 9718329, 21394828). This variant is not present in population databases (gnomAD no frequency). This variant has not been reported in the literature in individuals affected with SLC26A3-related conditions. For these reasons, this variant has been classified as Pathogenic.

Literature cited by the submitters: PubMed 9718329; PubMed 21394828.